The following is an entry in ClinVar:

NM_000342.4(SLC4A1):c.-58T>C

Gene: SLC4A1 (solute carrier family 4 member 1 (Diego blood group); minus strand). Cytogenetic location: 17q21.31.
Variant type: single nucleotide variant.
Coding change: c.-58T>C on transcript NM_000342.4 (MANE Select); 58 bases upstream of the start codon, T replaced by C.
Molecular consequence: 5 prime UTR variant.
Genome position (GRCh38, 1-based): chr17:44,262,924, A>G on the plus strand (T>C on the coding strand, the complement: SLC4A1 is on the minus strand). VCF-style: chr17-44262924-A-G. GRCh37 (hg19) VCF-style: chr17-42340292-A-G.
Identifiers: ClinVar variation 3031856 (VCV003031856.2), dbSNP rs2509974346, ClinGen allele CA2638193494.

ClinVar aggregate classification (germline): Likely benign (0 of 4 stars; one submission).

Conditions:
SLC4A1-related disorder. Also called: SLC4A1-related disorders; SLC4A1-related condition.

Allele frequency attached by ClinVar (database versions not stated): gnomAD exomes below 0.00001.

Submission:

PreventionGenetics, part of Exact Sciences
Classification: Likely benign for SLC4A1-related condition. Last evaluated: 2022-12-22. Review status: no assertion criteria provided. Collection method: clinical testing. Allele origin: germline.
Comment: This variant is classified as likely benign based on ACMG/AMP sequence variant interpretation guidelines (Richards et al. 2015 PMID: 25741868, with internal and published modifications).